The following is an entry in ClinVar:

NM_001903.5(CTNNA1):c.1296+4_1296+12del

Gene: CTNNA1 (catenin alpha 1; plus strand). Cytogenetic location: 5q31.2.
Variant type: Deletion.
Coding change: c.1296+4_1296+12del on transcript NM_001903.5 (MANE Select); bases 4 to 12 of the intron after coding-DNA position 1296, 9 bases deleted (AGTGAATTA; older notation c.1296+4_1296+12delAGTGAATTA).
Molecular consequence: splice donor variant. On other transcripts: intron variant (2).
Genome position (GRCh38, 1-based): chr5:138,887,646-138,887,654, AGTGAATTA deleted; deleting any 9 consecutive bases within chr5:138,887,644-138,887,654 gives the same sequence; the c. name uses the placement nearest the transcript's 3' end. VCF-style (leftmost placement, unchanged base first): chr5-138887643-GTAAGTGAAT-G. GRCh37 (hg19) VCF-style: chr5-138223332-GTAAGTGAAT-G.
Other names: c.1296+4_1296+12del (NM_001323982.2, NM_001323984.2, NM_001290307.3 and 3 more transcripts); c.927+4_927+12del (NM_001290310.3); c.987+4_987+12del (NM_001290309.3); c.186+4_186+12del (NM_001323996.1, NM_001323993.1, NM_001324005.1 and 18 more transcripts); c.-212+4_-212+12del (NM_001324007.1, NM_001324009.1, NM_001324006.1 and 1 more transcripts); c.-87+4_-87+12del (NM_001324013.1); c.-58+12049_-58+12057del (NM_001324012.1); c.-61+12049_-61+12057del (NM_001324010.1).
Identifiers: ClinVar variation 2746075 (VCV002746075.3), dbSNP rs2533018044, ClinGen allele CA2697546508.
Genomic context (GRCh38, chr5:138,887,643, plus strand): 5'-GAGAAAGAAGTTAAGGAGTATGCCCAAGTTTTCCGTGAACATGCCAACAAATTGATTGAG[GTAAGTGAAT>G]TAGCAGTTTCATTGACTTGTAGGCAACTTGGTGAAGTGTGGTGAGTTTTAATCACATTAT-3'

ClinVar aggregate classification (germline): Uncertain significance (1 of 4 stars; one submission).

Submission:

Labcorp Genetics (formerly Invitae), Labcorp
Classification: Uncertain significance. Last evaluated: 2023-07-24. Review status: criteria provided, single submitter. Criteria: Invitae Variant Classification Sherloc (09022015). Collection method: clinical testing. Allele origin: germline.
Comment: This sequence change falls in intron 9 of the CTNNA1 gene. It does not directly change the encoded amino acid sequence of the CTNNA1 protein. It affects a nucleotide within the consensus splice site. In summary, the available evidence is currently insufficient to determine the role of this variant in disease. Therefore, it has been classified as a Variant of Uncertain Significance. Variants that disrupt the consensus splice site are a relatively common cause of aberrant splicing (PMID: 17576681, 9536098). Algorithms developed to predict the effect of sequence changes on RNA splicing suggest that this variant may disrupt the consensus splice site. This variant has not been reported in the literature in individuals affected with CTNNA1-related conditions. This variant is not present in population databases (gnomAD no frequency).

Literature cited by the submitters: PubMed 17576681; PubMed 9536098.